The following is an entry in ClinVar:

NM_002185.5(IL7R):c.*1508G>C

Gene: IL7R (interleukin 7 receptor; plus strand). Cytogenetic location: 5p13.2.
Variant type: single nucleotide variant.
Coding change: c.*1508G>C on transcript NM_002185.5 (MANE Select); 1508 bases downstream of the stop codon, G replaced by C.
Molecular consequence: 3 prime UTR variant. On other transcripts: non-coding transcript variant (1).
Genome position (GRCh38, 1-based): chr5:35,877,994, G>C. VCF-style: chr5-35877994-G-C. GRCh37 (hg19) VCF-style: chr5-35878096-G-C.
Identifiers: ClinVar variation 353291 (VCV000353291.6), dbSNP rs111740630, ClinGen allele CA10624543.

ClinVar aggregate classification (germline): Benign. Review status: criteria provided, multiple submitters, no conflicts (2 of 4 stars). 2 submissions from 2 submitters: Benign (2). Last evaluated 2018-01-12.

Conditions:
Immunodeficiency 104. Also called: SCID, AUTOSOMAL RECESSIVE, T CELL-NEGATIVE, B CELL-POSITIVE, NK CELL-POSITIVE; Severe Combined Immune Deficiency, Autosomal Recessive, TCell -Negative, B Cell-Positive, NK Cell-Positive, IL7R-Related; Severe combined immunodeficiency, autosomal recessive, T cell-negative, B cell-positive, NK cell-positive; IMMUNODEFICIENCY 104, SEVERE COMBINED. Identifiers: MedGen C5676890, MONDO:0012163, OMIM 608971.

Allele frequency attached by ClinVar (database versions not stated): gnomAD exomes 0.00283; gnomAD 0.01280 and 0.01383; TOPMed 0.01449; 1000 Genomes Project 0.01558; 1000 Genomes Project 30x 0.01608.

Submissions (2):

Illumina Laboratory Services, Illumina
Classification: Benign for Immunodeficiency 104. Last evaluated: 2018-01-12. Review status: criteria provided, single submitter. Criteria: ICSL Variant Classification Criteria 13 December 2019. Collection method: clinical testing. Allele origin: germline.
Comment: This variant was observed in the ICSL laboratory as part of a predisposition screen in an ostensibly healthy population. It had not been previously curated by ICSL or reported in the Human Gene Mutation Database (HGMD: prior to June 1st, 2018), and was therefore a candidate for classification through an automated scoring system. Utilizing variant allele frequency, disease prevalence and penetrance estimates, and inheritance mode, an automated score was calculated to assess if this variant is too frequent to cause the disease. Based on the score and internal cut-off values, a variant classified as benign is not then subjected to further curation. The score for this variant resulted in a classification of benign for this disease.

Breakthrough Genomics
Classification: Benign. Review status: criteria provided, single submitter. Criteria: ACMG Guidelines, 2015. Collection method: not provided. Allele origin: germline. Inheritance: Autosomal recessive inheritance. Affected: yes.